The following is an entry in ClinVar:

ClinVar aggregate classification (germline): Uncertain significance (1 of 4 stars; one submission).

Conditions:
Cohen syndrome (COH1). Also called: PEPPER SYNDROME; Cutis verticis gyrata, retinitis pigmentosa, and sensorineural deafness. Identifiers: Orphanet 193, MedGen C0265223, MONDO:0008999, OMIM 216550.

Submission:

Labcorp Genetics (formerly Invitae), Labcorp
Classification: Uncertain significance for Cohen syndrome. Last evaluated: 2022-02-08. Review status: criteria provided, single submitter. Criteria: Invitae Variant Classification Sherloc (09022015). Collection method: clinical testing. Allele origin: germline.
Comment: This variant results in a copy number gain of the genomic region encompassing exon(s) 2 of the VPS13B gene. This region includes the initiator codon of the gene. This copy number gain extends beyond the assayed region for this gene and therefore may encompass additional genes. As the precise location of this event is unknown, it may be in tandem or it may be located elsewhere in the genome. This variant has not been reported in the literature in individuals affected with VPS13B-related conditions. In summary, the available evidence is currently insufficient to determine the role of this variant in disease. Therefore, it has been classified as a Variant of Uncertain Significance.

NC_000008.10:g.(?_100026017)_(100026183_?)dup

Gene: VPS13B (vacuolar protein sorting 13 homolog B; plus strand). Cytogenetic location: 8q22.2.
Variant type: Duplication.
Identifiers: ClinVar variation 1412120 (VCV001412120.4).